The following is an entry in ClinVar:

ClinVar aggregate classification (germline): Pathogenic (1 of 4 stars; one submission).

Conditions:
Leber congenital amaurosis 4 (LCA4). Identifiers: MedGen C1858386, MONDO:0011458, OMIM 604393.

Submission:

Labcorp Genetics (formerly Invitae), Labcorp
Classification: Pathogenic for Leber congenital amaurosis 4. Last evaluated: 2023-02-28. Review status: criteria provided, single submitter. Criteria: Invitae Variant Classification Sherloc (09022015). Collection method: clinical testing. Allele origin: germline.
Comment: This sequence change creates a premature translational stop signal (p.Cys207*) in the AIPL1 gene. It is expected to result in an absent or disrupted protein product. Loss-of-function variants in AIPL1 are known to be pathogenic (PMID: 10615133, 15249368, 15347646). This variant is not present in population databases (gnomAD no frequency). This variant has not been reported in the literature in individuals affected with AIPL1-related conditions. For these reasons, this variant has been classified as Pathogenic.

Literature cited by the submitters: PubMed 10615133; PubMed 15249368; PubMed 15347646.

NM_014336.5(AIPL1):c.621C>A (p.Cys207Ter)

Gene: AIPL1 (AIP like 1 HSP90 co-chaperone; minus strand). Cytogenetic location: 17p13.2.
Variant type: single nucleotide variant.
Coding change: c.621C>A on transcript NM_014336.5 (MANE Select); coding-DNA position 621, C replaced by A.
Protein change: p.Cys207Ter; replaces cysteine 207 with a stop codon.
Molecular consequence: nonsense.
Genome position (GRCh38, 1-based): chr17:6,426,902, G>T on the plus strand (C>A on the coding strand, the complement: AIPL1 is on the minus strand). VCF-style: chr17-6426902-G-T. GRCh37 (hg19) VCF-style: chr17-6330222-G-T.
Other names: c.621C>A, p.Cys207Ter (NM_001285401.3); c.504C>A, p.Cys168Ter (NM_001285402.2); c.597C>A, p.Cys199Ter (NM_001285403.4); c.432C>A, p.Cys144Ter (NM_001033054.3); c.441C>A, p.Cys147Ter (NM_001033055.3); c.585C>A, p.Cys195Ter (NM_001285399.3); c.555C>A, p.Cys185Ter (NM_001285400.3); short protein forms C207*, C144*, C168*, C195*, C199*, C147*, C185*.
Identifiers: ClinVar variation 2837105 (VCV002837105.3), dbSNP rs2543885495, ClinGen allele CA397395373.